The following is an entry in ClinVar:

NM_003907.3(EIF2B5):c.1556T>A (p.Ile519Asn)

Gene: EIF2B5 (eukaryotic translation initiation factor 2B subunit epsilon; plus strand). Cytogenetic location: 3q27.1.
Variant type: single nucleotide variant.
Coding change: c.1556T>A on transcript NM_003907.3 (MANE Select); coding-DNA position 1556, T replaced by A.
Protein change: p.Ile519Asn; replaces isoleucine 519 with asparagine.
Molecular consequence: missense variant.
Genome position (GRCh38, 1-based): chr3:184,142,788, T>A. VCF-style: chr3-184142788-T-A. GRCh37 (hg19) VCF-style: chr3-183860576-T-A.
Other names: short protein forms I519N.
Identifiers: ClinVar variation 1939079 (VCV001939079.5), dbSNP rs779139887, ClinGen allele CA355391385.

ClinVar aggregate classification (germline): Uncertain significance (1 of 4 stars; one submission).

Allele frequency attached by ClinVar (database versions not stated): gnomAD exomes below 0.00001.
gnomAD v4.1: 2 of 1,613,872 alleles (0.00012%); highest among the groups gnomAD compares: Non-Finnish European, 0.00017%; no homozygotes.

Submission:

Labcorp Genetics (formerly Invitae), Labcorp
Classification: Uncertain significance. Last evaluated: 2023-08-10. Review status: criteria provided, single submitter. Criteria: Invitae Variant Classification Sherloc (09022015). Collection method: clinical testing. Allele origin: germline.
Comment: This sequence change replaces isoleucine, which is neutral and non-polar, with asparagine, which is neutral and polar, at codon 519 of the EIF2B5 protein (p.Ile519Asn). This variant is present in population databases (no rsID available, gnomAD 0.0009%). This variant has not been reported in the literature in individuals affected with EIF2B5-related conditions. ClinVar contains an entry for this variant (Variation ID: 1939079). Advanced modeling of protein sequence and biophysical properties (such as structural, functional, and spatial information, amino acid conservation, physicochemical variation, residue mobility, and thermodynamic stability) performed at Invitae indicates that this missense variant is not expected to disrupt EIF2B5 protein function. In summary, the available evidence is currently insufficient to determine the role of this variant in disease. Therefore, it has been classified as a Variant of Uncertain Significance.